The following is an entry in ClinVar:

NM_000179.3(MSH6):c.2167G>C (p.Gly723Arg)

Gene: MSH6 (mutS homolog 6; plus strand). Cytogenetic location: 2p16.3.
Variant type: single nucleotide variant.
Coding change: c.2167G>C on transcript NM_000179.3 (MANE Select); coding-DNA position 2167, G replaced by C.
Protein change: p.Gly723Arg; replaces glycine 723 with arginine.
Molecular consequence: missense variant.
Genome position (GRCh38, 1-based): chr2:47,800,150, G>C. VCF-style: chr2-47800150-G-C. GRCh37 (hg19) VCF-style: chr2-48027289-G-C.
Other names: c.1777G>C, p.Gly593Arg (NM_001281492.2); c.1261G>C, p.Gly421Arg (NM_001281493.2, NM_001281494.2); short protein forms G723R, G421R, G593R.
Identifiers: ClinVar variation 418875 (VCV000418875.14), dbSNP rs1064793492, ClinGen allele CA16617669.

ClinVar aggregate classification (germline): Uncertain significance. Review status: criteria provided, multiple submitters, no conflicts (2 of 4 stars). 3 submissions from 3 submitters: Uncertain significance (3). Last evaluated 2023-09-27.

Conditions:
Hereditary nonpolyposis colorectal neoplasms. Identifiers: MedGen C0009405, MeSH D003123.
Hereditary cancer-predisposing syndrome. Also called: Hereditary neoplastic syndrome; Tumor predisposition; Neoplastic Syndromes, Hereditary; Hereditary Cancer Syndrome. Identifiers: Orphanet 140162, MedGen C0027672, MeSH D009386, MONDO:0015356.

Submissions (3):

Labcorp Genetics (formerly Invitae), Labcorp
Classification: Uncertain significance for Hereditary nonpolyposis colorectal neoplasms. Last evaluated: 2023-09-27. Review status: criteria provided, single submitter. Criteria: Invitae Variant Classification Sherloc (09022015). Collection method: clinical testing. Allele origin: germline.
Comment: This sequence change replaces glycine, which is neutral and non-polar, with arginine, which is basic and polar, at codon 723 of the MSH6 protein (p.Gly723Arg). This variant is not present in population databases (gnomAD no frequency). This variant has not been reported in the literature in individuals affected with MSH6-related conditions. ClinVar contains an entry for this variant (Variation ID: 418875). Advanced modeling of protein sequence and biophysical properties (such as structural, functional, and spatial information, amino acid conservation, physicochemical variation, residue mobility, and thermodynamic stability) performed at Invitae indicates that this missense variant is not expected to disrupt MSH6 protein function. In summary, the available evidence is currently insufficient to determine the role of this variant in disease. Therefore, it has been classified as a Variant of Uncertain Significance.

Ambry Genetics
Classification: Uncertain significance for Hereditary cancer-predisposing syndrome. Last evaluated: 2020-11-06. Review status: criteria provided, single submitter. Criteria: Ambry Variant Classification Scheme 2023. Collection method: clinical testing. Allele origin: germline.
Comment: The p.G723R variant (also known as c.2167G>C), located in coding exon 4 of the MSH6 gene, results from a G to C substitution at nucleotide position 2167. The glycine at codon 723 is replaced by arginine, an amino acid with dissimilar properties. This amino acid position is not well conserved in available vertebrate species. In addition, the in silico prediction for this alteration is inconclusive. Since supporting evidence is limited at this time, the clinical significance of this alteration remains unclear.

GeneDx
Classification: Uncertain significance. Last evaluated: 2015-04-09. Review status: criteria provided, single submitter. Criteria: GeneDx Variant Classification (06012015). Collection method: clinical testing. Allele origin: germline. Affected: yes.
Comment: This variant is denoted MSH6 c.2167G>C at the cDNA level, p.Gly723Arg (G723R) at the protein level, and results in the change of a Glycine to an Arginine (GGT>CGT). This variant has not, to our knowledge, been published in the literature as pathogenic or benign. MSH6 Gly723Arg was not observed in approximately 6,500 individuals of European and African American ancestry in the NHLBI Exome Sequencing Project, indicating it is not a common benign variant in these populations. Since Glycine and Arginine differ in polarity, charge, size or other properties, this is considered a non-conservative amino acid substitution. MSH6 Gly723Arg occurs at a position that is not conserved across species and is located in the MutS domain III (Terui 2011). In silico analyses are inconsistent regarding the effect this variant may have on protein structure and function. Based on currently available information, it is unclear whether MSH6 Gly723Arg is pathogenic or benign. We consider it to be a variant of uncertain significance.